The following is an entry in ClinVar:

NM_020778.4:c.487A>G

Gene: ALPK3 (alpha kinase 3; plus strand).
Variant type: single nucleotide variant.
Identifiers: ClinVar variation 4820466 (VCV004820466.1), dbSNP rs1008637055.

ClinVar aggregate classification (germline): Likely benign (1 of 4 stars; one submission).

Submission:

Molecular Diagnostic Laboratory for Inherited Cardiovascular Disease, Montreal Heart Institute
Classification: Likely benign. Last evaluated: 2026-03-27. Review status: criteria provided, single submitter. Criteria: ACMG Guidelines, 2015. Collection method: clinical testing. Allele origin: germline. Affected: no.
Comment: BS1;BP4